The following is an entry in ClinVar:

NM_020433.5(JPH2):c.937C>T (p.Arg313Cys)

Gene: JPH2 (junctophilin 2; minus strand). Cytogenetic location: 20q13.12.
Variant type: single nucleotide variant.
Coding change: c.937C>T on transcript NM_020433.5 (MANE Select); coding-DNA position 937, C replaced by T.
Protein change: p.Arg313Cys; replaces arginine 313 with cysteine.
Molecular consequence: missense variant.
Genome position (GRCh38, 1-based): chr20:44,159,850, G>A on the plus strand (C>T on the coding strand, the complement: JPH2 is on the minus strand). VCF-style: chr20-44159850-G-A. GRCh37 (hg19) VCF-style: chr20-42788490-G-A.
Other names: short protein forms R313C.
Identifiers: ClinVar variation 3712570 (VCV003712570.3).
Genomic context (GRCh38, chr20:44,159,850, plus strand): 5'-CGGGCAGCGTGGTGCAGCCATAGCCGTGGCGCAGGTTGTCCAGCCACTCGCCCTCGTAGC[G>A]GAGGCCACTGGAGCGTTCGCTCACGCCGAAGCCCGAGCGTTTGTCGTTCTTCCACTCGCC-3'
Protein context (NP_065166.2, residues 303-323): FGVSERSSGL[Arg313Cys]YEGEWLDNLR

ClinVar aggregate classification (germline): Uncertain significance. Review status: criteria provided, multiple submitters, no conflicts (2 of 4 stars). 2 submissions from 2 submitters: Uncertain significance (2). Last evaluated 2025-12-19.

Conditions:
Hypertrophic cardiomyopathy. Also called: HYPERTROPHIC MYOCARDIOPATHY. Identifiers: Orphanet 217569, MedGen C0007194, MeSH D002312, MONDO:0005045, HP:0001639.
JPH2-related disorder. Also called: JPH2-related condition.

gnomAD v4.1: 2 of 1,613,516 alleles (0.00012%); highest among the groups gnomAD compares: Non-Finnish European, 0.00017%; no homozygotes.

Submissions (2):

PreventionGenetics, part of Exact Sciences
Classification: Uncertain significance for JPH2-related condition. Last evaluated: 2025-12-19. Review status: criteria provided, single submitter. Criteria: ACMG Guidelines, 2015. Collection method: clinical testing. Allele origin: germline.
Comment: The JPH2 c.937C>T variant is predicted to result in the amino acid substitution p.Arg313Cys. To our knowledge, this variant has not been reported in the literature or in a large population database (gnomAD), indicating this variant is rare. At this time, the clinical significance of this variant is uncertain due to the absence of conclusive functional and genetic evidence.

Labcorp Genetics (formerly Invitae), Labcorp
Classification: Uncertain significance for Hypertrophic cardiomyopathy. Last evaluated: 2024-08-15. Review status: criteria provided, single submitter. Criteria: Invitae Variant Classification Sherloc (09022015). Collection method: clinical testing. Allele origin: germline.
Comment: This sequence change replaces arginine, which is basic and polar, with cysteine, which is neutral and slightly polar, at codon 313 of the JPH2 protein (p.Arg313Cys). This variant is not present in population databases (gnomAD no frequency). This variant has not been reported in the literature in individuals affected with JPH2-related conditions. An algorithm developed to predict the effect of missense changes on protein structure and function (PolyPhen-2) suggests that this variant is likely to be disruptive. In summary, the available evidence is currently insufficient to determine the role of this variant in disease. Therefore, it has been classified as a Variant of Uncertain Significance.